The following is an entry in ClinVar:

ClinVar aggregate classification (germline): Uncertain significance (1 of 4 stars; one submission).

Conditions:
Familial thoracic aortic aneurysm and aortic dissection (TAAD). Also called: Thoracic aortic aneurysms and dissections. Identifiers: Orphanet 91387, MedGen C4707243, MONDO:0019625.

Submission:

All of Us Research Program, National Institutes of Health
Classification: Uncertain significance for Familial thoracic aortic aneurysm and aortic dissection. Last evaluated: 2023-09-17. Review status: criteria provided, single submitter. Criteria: ACMG Guidelines, 2015. Collection method: clinical testing. Allele origin: germline. Inheritance: Autosomal dominant inheritance. Observed: 1 variant allele, 1 heterozygote.
Comment: This variant causes a C to A nucleotide substitution at the -12 position of intron 9 of the MYH11 gene. To our knowledge, functional studies have not been reported for this variant. This variant has not been reported in individuals affected with MYH11-related disorders in the literature. This variant has not been identified in the general population by the Genome Aggregation Database (gnomAD). The available evidence is insufficient to determine the role of this variant in disease conclusively. Therefore, this variant is classified as a Variant of Uncertain Significance.

This study involves interpretation of variants in research participants for the purpose of population health screening. Participant phenotype was not available at the time of variant classification. Additional details can be found in publication PMID: 35346344, PMCID: PMC8962531

NM_002474.3(MYH11):c.890-12C>A

Gene: MYH11 (myosin heavy chain 11; minus strand). Cytogenetic location: 16p13.11.
Variant type: single nucleotide variant.
Coding change: c.890-12C>A on transcript NM_002474.3 (MANE Select); 12 bases into the intron before coding-DNA position 890, C replaced by A.
Molecular consequence: intron variant.
Genome position (GRCh38, 1-based): chr16:15,771,724, G>T on the plus strand (C>A on the coding strand, the complement: MYH11 is on the minus strand). VCF-style: chr16-15771724-G-T. GRCh37 (hg19) VCF-style: chr16-15865581-G-T.
Other names: c.890-12C>A (NM_022844.3); c.911-12C>A (NM_001040114.2, NM_001040113.2).
Identifiers: ClinVar variation 3073474 (VCV003073474.1), dbSNP rs2506505943, ClinGen allele CA2825002401.